The following is an entry in ClinVar:

NM_003011.4(SET):c.587A>G (p.His196Arg)

Gene: SET (SET nuclear proto-oncogene; plus strand). Cytogenetic location: 9q34.11.
Variant type: single nucleotide variant.
Coding change: c.587A>G on transcript NM_003011.4 (MANE Select); coding-DNA position 587, A replaced by G.
Protein change: p.His196Arg; replaces histidine 196 with arginine.
Molecular consequence: missense variant.
Genome position (GRCh38, 1-based): chr9:128,693,732, A>G. VCF-style: chr9-128693732-A-G. GRCh37 (hg19) VCF-style: chr9-131456011-A-G.
Other names: c.626A>G, p.His209Arg (NM_001122821.2, NM_001374326.1); c.560A>G, p.His187Arg (NM_001248000.2); c.554A>G, p.His185Arg (NM_001248001.2); short protein forms H185R, H187R, H196R, H209R.
Identifiers: ClinVar variation 2631229 (VCV002631229.1), dbSNP rs2490440099, ClinGen allele CA375060963.
Genomic context (GRCh38, chr9:128,693,732, plus strand): 5'-AAGCCAGCAGGAAGAGGCAGCATGAGGAACCAGAGAGCTTCTTTACCTGGTTTACTGACC[A>G]TTCTGATGCAGGTGCTGATGAGTTAGGAGAGGTCATCAAAGATGATATTTGGCCAAACCC-3'
Protein context (NP_003002.2, residues 186-206): PESFFTWFTD[His196Arg]SDAGADELGE

ClinVar aggregate classification (germline): Uncertain significance (1 of 4 stars; one submission).

Conditions:
SET-related disorder. Also called: SET-related condition.

Submission:

PreventionGenetics, part of Exact Sciences
Classification: Uncertain significance for SET-related condition. Last evaluated: 2023-07-22. Review status: criteria provided, single submitter. Criteria: ACMG Guidelines, 2015. Collection method: clinical testing. Allele origin: germline.
Comment: The SET c.626A>G variant is predicted to result in the amino acid substitution p.His209Arg. To our knowledge, this variant has not been reported in the literature or in a large population database, indicating this variant is rare. At this time, the clinical significance of this variant is uncertain due to the absence of conclusive functional and genetic evidence.